The following is an entry in ClinVar:

NM_015721.3(GEMIN4):c.186C>T (p.Pro62=)

Gene: GEMIN4 (gem nuclear organelle associated protein 4; minus strand). Cytogenetic location: 17p13.3.
Variant type: single nucleotide variant.
Coding change: c.186C>T on transcript NM_015721.3 (MANE Select); coding-DNA position 186, C replaced by T.
Protein change: p.Pro62=; no amino-acid change (proline 62 retained).
Molecular consequence: synonymous variant.
Genome position (GRCh38, 1-based): chr17:747,857, G>A on the plus strand (C>T on the coding strand, the complement: GEMIN4 is on the minus strand). VCF-style: chr17-747857-G-A. GRCh37 (hg19) VCF-style: chr17-651097-G-A.
Identifiers: ClinVar variation 3067496 (VCV003067496.21), dbSNP rs774589461, ClinGen allele CA8262944.

ClinVar aggregate classification (germline): Likely benign (1 of 4 stars; one submission).

Allele frequency attached by ClinVar (database versions not stated): TOPMed 0.00003; ExAC 0.00002; gnomAD 0.00002.

Submission:

CeGaT Center for Human Genetics Tuebingen
Classification: Likely benign. Last evaluated: 2024-03-01. Review status: criteria provided, single submitter. Criteria: CeGaT Center For Human Genetics Tuebingen Variant Classification Criteria Version 2. Collection method: clinical testing. Allele origin: germline. Affected: yes. Observed: 1 variant allele.
Comment: GEMIN4: BP4, BP7